The following is an entry in ClinVar:

ClinVar aggregate classification (germline): Uncertain significance (1 of 4 stars; one submission).

Conditions:
Intellectual disability, autosomal recessive 42 (NEDDSBA). Also called: GLYCOSYLPHOSPHATIDYLINOSITOL BIOSYNTHESIS DEFECT 9; Neurodevelopmental disorder with dysmorphic features, spasticity, and brain abnormalities. Identifiers: Orphanet 88616, MedGen C4014343, MONDO:0014348, OMIM 615802.

gnomAD v4.1: 1 of 1,612,694 alleles (0.000062%); highest among the groups gnomAD compares: Non-Finnish European, 0.000085%; no homozygotes.

Submission:

Labcorp Genetics (formerly Invitae), Labcorp
Classification: Uncertain significance for Intellectual disability, autosomal recessive 42. Last evaluated: 2021-12-27. Review status: criteria provided, single submitter. Criteria: Invitae Variant Classification Sherloc (09022015). Collection method: clinical testing. Allele origin: germline.
Comment: In summary, the available evidence is currently insufficient to determine the role of this variant in disease. Therefore, it has been classified as a Variant of Uncertain Significance. This sequence change replaces tryptophan, which is neutral and slightly polar, with cysteine, which is neutral and slightly polar, at codon 712 of the PGAP1 protein (p.Trp712Cys). This variant is not present in population databases (gnomAD no frequency). This variant has not been reported in the literature in individuals affected with PGAP1-related conditions. Algorithms developed to predict the effect of missense changes on protein structure and function (SIFT, PolyPhen-2, Align-GVGD) all suggest that this variant is likely to be tolerated.

NM_024989.4(PGAP1):c.2136G>C (p.Trp712Cys)

Gene: PGAP1 (post-GPI attachment to proteins inositol deacylase 1; minus strand). Cytogenetic location: 2q33.1.
Variant type: single nucleotide variant.
Coding change: c.2136G>C on transcript NM_024989.4 (MANE Select); coding-DNA position 2136, G replaced by C.
Protein change: p.Trp712Cys; replaces tryptophan 712 with cysteine.
Molecular consequence: missense variant.
Genome position (GRCh38, 1-based): chr2:196,847,017, C>G on the plus strand (G>C on the coding strand, the complement: PGAP1 is on the minus strand). VCF-style: chr2-196847017-C-G. GRCh37 (hg19) VCF-style: chr2-197711741-C-G.
Other names: c.1614G>C, p.Trp538Cys (NM_001321099.2); c.969G>C, p.Trp323Cys (NM_001321100.2); short protein forms W323C, W712C, W538C.
Identifiers: ClinVar variation 2147067 (VCV002147067.4), dbSNP rs1700574362, ClinGen allele CA350186450.